The following is an entry in ClinVar:

ClinVar aggregate classification (germline): Uncertain significance. Review status: criteria provided, multiple submitters, no conflicts (2 of 4 stars). 2 submissions from 2 submitters: Uncertain significance (2). Last evaluated 2025-08-01.

Conditions:
Propionic acidemia (PROP). Also called: HYPERGLYCINEMIA WITH KETOACIDOSIS AND LEUKOPENIA; KETOTIC HYPERGLYCINEMIA; GLYCINEMIA, KETOTIC. Identifiers: Orphanet 35, MedGen C0268579, MONDO:0011628, OMIM 606054, HP:0003571.
Inborn genetic diseases. Identifiers: MedGen C0950123, MeSH D030342.

Allele frequency attached by ClinVar (database versions not stated): ExAC 0.00003; gnomAD 0.00003; gnomAD exomes 0.00003; TOPMed 0.00003.
gnomAD v4.1: 44 of 1,613,700 alleles (0.0027%); highest among the groups gnomAD compares: Admixed American, 0.005%; no homozygotes.

Submissions (2):

Ambry Genetics
Classification: Uncertain significance for Inborn genetic diseases. Last evaluated: 2025-08-01. Review status: criteria provided, single submitter. Criteria: Ambry Variant Classification Scheme 2023. Collection method: clinical testing. Allele origin: germline.

Labcorp Genetics (formerly Invitae), Labcorp
Classification: Uncertain significance for Propionic acidemia. Last evaluated: 2022-10-17. Review status: criteria provided, single submitter. Criteria: Invitae Variant Classification Sherloc (09022015). Collection method: clinical testing. Allele origin: germline.
Comment: This sequence change replaces leucine, which is neutral and non-polar, with valine, which is neutral and non-polar, at codon 369 of the PCCA protein (p.Leu369Val). This variant is present in population databases (rs765472192, gnomAD 0.009%). This variant has not been reported in the literature in individuals affected with PCCA-related conditions. Advanced modeling of protein sequence and biophysical properties (such as structural, functional, and spatial information, amino acid conservation, physicochemical variation, residue mobility, and thermodynamic stability) has been performed at Invitae for this missense variant, however the output from this modeling did not meet the statistical confidence thresholds required to predict the impact of this variant on PCCA protein function. In summary, the available evidence is currently insufficient to determine the role of this variant in disease. Therefore, it has been classified as a Variant of Uncertain Significance.

NM_000282.4(PCCA):c.1105C>G (p.Leu369Val)

Gene: PCCA (propionyl-CoA carboxylase subunit alpha; plus strand). Cytogenetic location: 13q32.3.
Variant type: single nucleotide variant.
Coding change: c.1105C>G on transcript NM_000282.4 (MANE Select); coding-DNA position 1105, C replaced by G.
Protein change: p.Leu369Val; replaces leucine 369 with valine.
Molecular consequence: missense variant. On other transcripts: non-coding transcript variant (5), intron variant (3).
Genome position (GRCh38, 1-based): chr13:100,301,499, C>G. VCF-style: chr13-100301499-C-G. GRCh37 (hg19) VCF-style: chr13-100953753-C-G.
Other names: c.1027C>G, p.Leu343Val (NM_001127692.3, NM_001352607.2); c.1105C>G, p.Leu369Val (NM_001178004.2, NM_001352605.2, NM_001352609.2); c.160C>G, p.Leu54Val (NM_001352610.2, NM_001352611.2); c.1066-1425C>G (NM_001352606.2); c.121-1425C>G (NM_001352612.2); c.988-1425C>G (NM_001352608.2); c.1105C>G (NM_000282.3); short protein forms L54V, L343V, L369V.
Identifiers: ClinVar variation 2039433 (VCV002039433.2), dbSNP rs765472192, ClinGen allele CA7033510.